The following is an entry in ClinVar:

NM_000170.3(GLDC):c.2978dup (p.Tyr993Ter)

Gene: GLDC (glycine decarboxylase; minus strand). Cytogenetic location: 9p24.1.
Variant type: Duplication.
Coding change: c.2978dup on transcript NM_000170.3 (MANE Select); coding-DNA position 2978, one base duplicated (A; older notation c.2978dupA).
Protein change: p.Tyr993Ter; replaces tyrosine 993 with a stop codon.
Molecular consequence: nonsense.
Genome position (GRCh38, 1-based): chr9:6,533,102, T duplicated on the plus strand (A on the coding strand, the reverse complement: GLDC is on the minus strand). VCF-style (leftmost placement, unchanged base first): chr9-6533101-A-AT. GRCh37 (hg19) VCF-style: chr9-6533101-A-AT.
Other names: short protein forms Y993*.
Identifiers: ClinVar variation 2707886 (VCV002707886.3), dbSNP rs2489006052, ClinGen allele CA2689354992.

ClinVar aggregate classification (germline): Pathogenic (1 of 4 stars; one submission).

Conditions:
Glycine encephalopathy. Also called: Nonketotic hyperglycinemia; Non-ketotic hyperglycinemia. Identifiers: Orphanet 407, MedGen C0751748, MONDO:0011612, HP:0008288.

Allele frequency attached by ClinVar (database versions not stated): gnomAD exomes below 0.00001.

Submission:

Labcorp Genetics (formerly Invitae), Labcorp
Classification: Pathogenic for Glycine encephalopathy. Last evaluated: 2024-01-06. Review status: criteria provided, single submitter. Criteria: Invitae Variant Classification Sherloc (09022015). Collection method: clinical testing. Allele origin: germline.
Comment: This sequence change creates a premature translational stop signal (p.Tyr993*) in the GLDC gene. While this is not anticipated to result in nonsense mediated decay, it is expected to disrupt the last 28 amino acid(s) of the GLDC protein. This variant is not present in population databases (gnomAD no frequency). This variant has not been reported in the literature in individuals affected with GLDC-related conditions. This variant disrupts a region of the GLDC protein in which other variant(s) (p.Cys1002Trp) have been determined to be pathogenic (PMID: 29046206). This suggests that this is a clinically significant region of the protein, and that variants that disrupt it are likely to be disease-causing. For these reasons, this variant has been classified as Pathogenic.

Literature cited by the submitters: PubMed 29046206.